The following is an entry in ClinVar:

ClinVar aggregate classification (germline): Conflicting classifications of pathogenicity. Review status: criteria provided, conflicting classifications (1 of 4 stars). 4 submissions from 4 submitters: Likely pathogenic (1); Uncertain significance (3). Last evaluated 2025-04-26.

Conditions:
IFT140-related disorders.
Saldino-Mainzer syndrome (SRTD9). Also called: Renal dysplasia, retinal pigmentary dystrophy, cerebellar ataxia and skeletal dysplasia; SHORT-RIB THORACIC DYSPLASIA 9 WITHOUT POLYDACTYLY; short-rib thoracic dysplasia 9 with or without polydactyly; CONORENAL SYNDROME. Identifiers: Orphanet 140969, MedGen C1849437, MONDO:0009964, OMIM 266920.
Retinitis pigmentosa 80 (RP80). Identifiers: MedGen C4540439, MONDO:0054708, OMIM 617781.

Allele frequency attached by ClinVar (database versions not stated): TOPMed below 0.00001; ExAC 0.00001; gnomAD exomes 0.00001 and 0.00003.

Submissions (4):

Labcorp Genetics (formerly Invitae), Labcorp
Classification: Uncertain significance for Saldino-Mainzer syndrome. Last evaluated: 2025-04-26. Review status: criteria provided, single submitter. Criteria: Invitae Variant Classification Sherloc (09022015). Collection method: clinical testing. Allele origin: germline.
Comment: This sequence change replaces alanine, which is neutral and non-polar, with proline, which is neutral and non-polar, at codon 418 of the IFT140 protein (p.Ala418Pro). This variant is present in population databases (rs770890983, gnomAD 0.003%). This missense change has been observed in individuals with retinitis pigmentosa (PMID: 26216056). ClinVar contains an entry for this variant (Variation ID: 866335). Invitae Evidence Modeling of protein sequence and biophysical properties (such as structural, functional, and spatial information, amino acid conservation, physicochemical variation, residue mobility, and thermodynamic stability) has been performed for this missense variant. However, the output from this modeling did not meet the statistical confidence thresholds required to predict the impact of this variant on IFT140 protein function. In summary, the available evidence is currently insufficient to determine the role of this variant in disease. Therefore, it has been classified as a Variant of Uncertain Significance.

GeneDx
Classification: Uncertain significance. Last evaluated: 2024-03-05. Review status: criteria provided, single submitter. Criteria: GeneDx Variant Classification Process June 2021. Collection method: clinical testing. Allele origin: germline. Affected: yes.
Comment: Functional studies not yet peer-reviewed suggest that A418P does not affected binding of IFT140 to other binding partners (Leonhard, 2023); Not observed at significant frequency in large population cohorts (gnomAD); In silico analysis supports that this missense variant has a deleterious effect on protein structure/function; This variant is associated with the following publications: (PMID: 38084016, 26216056, 31964843, Leonhard2023[FunctionalStudy])

Fulgent Genetics
Classification: Uncertain significance for Saldino-Mainzer syndrome; Retinitis pigmentosa 80. Last evaluated: 2024-01-21. Review status: criteria provided, single submitter. Criteria: ACMG Guidelines, 2015. Collection method: clinical testing. Allele origin: germline.

Blueprint Genetics
Classification: Likely pathogenic for IFT140-related disorders. Last evaluated: 2021-03-01. Review status: criteria provided, single submitter. Criteria: ACMG Guidelines, 2015. Collection method: clinical testing. Allele origin: germline. Affected: yes. Observed: 5 variant alleles.

Literature cited by the submitters: PubMed 26216056 (cited by Labcorp Genetics (formerly Invitae), Labcorp).

NM_014714.4(IFT140):c.1252G>C (p.Ala418Pro)

Genes: IFT140 (intraflagellar transport 140; minus strand), LOC105371046 (uncharacterized LOC105371046; plus strand). Cytogenetic location: 16p13.3.
Variant type: single nucleotide variant.
Coding change: c.1252G>C on transcript NM_014714.4 (MANE Select); coding-DNA position 1252, G replaced by C.
Protein change: p.Ala418Pro; replaces alanine 418 with proline.
Molecular consequence: missense variant.
Genome position (GRCh38, 1-based): chr16:1,584,324, C>G on the plus strand (G>C on the coding strand, the complement: IFT140 is on the minus strand). VCF-style: chr16-1584324-C-G. GRCh37 (hg19) VCF-style: chr16-1634325-C-G.
Other names: short protein forms A418P.
Identifiers: ClinVar variation 866335 (VCV000866335.11), dbSNP rs770890983, ClinGen allele CA7814389.